The following is an entry in ClinVar:

NM_003072.5(SMARCA4):c.2884A>G (p.Ile962Val)

Gene: SMARCA4 (SWI/SNF related BAF chromatin remodeling complex subunit ATPase 4; plus strand). Cytogenetic location: 19p13.2.
Variant type: single nucleotide variant.
Coding change: c.2884A>G on transcript NM_003072.5 (MANE Select); coding-DNA position 2884, A replaced by G.
Protein change: p.Ile962Val; replaces isoleucine 962 with valine.
Molecular consequence: missense variant. On other transcripts: non-coding transcript variant (1).
Genome position (GRCh38, 1-based): chr19:11,023,542, A>G. VCF-style: chr19-11023542-A-G. GRCh37 (hg19) VCF-style: chr19-11134218-A-G.
Other names: c.2884A>G, p.Ile962Val (NM_001128844.3, NM_001128845.2, NM_001128846.2 and 6 more transcripts); short protein forms I962V.
Identifiers: ClinVar variation 3004662 (VCV003004662.3), dbSNP rs2146452574, ClinGen allele CA404057515.

ClinVar aggregate classification (germline): Uncertain significance (1 of 4 stars; one submission).

Conditions:
Rhabdoid tumor predisposition syndrome 2 (RTPS2). Identifiers: Orphanet 231108, Orphanet 69077, MedGen C2750074, MONDO:0013224, OMIM 613325.

Submission:

Labcorp Genetics (formerly Invitae), Labcorp
Classification: Uncertain significance for Rhabdoid tumor predisposition syndrome 2. Last evaluated: 2024-01-24. Review status: criteria provided, single submitter. Criteria: Invitae Variant Classification Sherloc (09022015). Collection method: clinical testing. Allele origin: germline.
Comment: This sequence change replaces isoleucine, which is neutral and non-polar, with valine, which is neutral and non-polar, at codon 962 of the SMARCA4 protein (p.Ile962Val). This variant is not present in population databases (gnomAD no frequency). This variant has not been reported in the literature in individuals affected with SMARCA4-related conditions. Advanced modeling of protein sequence and biophysical properties (such as structural, functional, and spatial information, amino acid conservation, physicochemical variation, residue mobility, and thermodynamic stability) has been performed at Invitae for this missense variant, however the output from this modeling did not meet the statistical confidence thresholds required to predict the impact of this variant on SMARCA4 protein function. In summary, the available evidence is currently insufficient to determine the role of this variant in disease. Therefore, it has been classified as a Variant of Uncertain Significance.